The following is an entry in ClinVar:

ClinVar aggregate classification (germline): Uncertain significance (1 of 4 stars; one submission).

Conditions:
Multiple congenital anomalies-hypotonia-seizures syndrome 1 (MCAHS1). Also called: GLYCOSYLPHOSPHATIDYLINOSITOL BIOSYNTHESIS DEFECT 3; PIGN-CDG; Congenital disorder of glycosylation due to PIGN deficiency. Identifiers: Orphanet 280633, MedGen C3279775, MONDO:0013563, OMIM 614080.

Submission:

Labcorp Genetics (formerly Invitae), Labcorp
Classification: Uncertain significance for Multiple congenital anomalies-hypotonia-seizures syndrome 1. Last evaluated: 2022-07-05. Review status: criteria provided, single submitter. Criteria: Invitae Variant Classification Sherloc (09022015). Collection method: clinical testing. Allele origin: germline.
Comment: This sequence change replaces tryptophan with cysteine at codon 177 of the PIGN protein (p.Trp177Cys). The tryptophan residue is moderately conserved and there is a large physicochemical difference between tryptophan and cysteine. In summary, the available evidence is currently insufficient to determine the role of this variant in disease. Therefore, it has been classified as a Variant of Uncertain Significance. Algorithms developed to predict the effect of sequence changes on RNA splicing suggest that this variant may create or strengthen a splice site. Algorithms developed to predict the effect of missense changes on protein structure and function are either unavailable or do not agree on the potential impact of this missense change (SIFT: "Not Available"; PolyPhen-2: "Probably Damaging"; Align-GVGD: "Not Available"). ClinVar contains an entry for this variant (Variation ID: 1427631). This variant has not been reported in the literature in individuals affected with PIGN-related conditions. This variant is not present in population databases (gnomAD no frequency).

NM_176787.5(PIGN):c.531G>C (p.Trp177Cys)

Gene: PIGN (phosphatidylinositol glycan anchor biosynthesis class N; minus strand). Cytogenetic location: 18q21.33.
Variant type: single nucleotide variant.
Coding change: c.531G>C on transcript NM_176787.5 (MANE Select); coding-DNA position 531, G replaced by C.
Protein change: p.Trp177Cys; replaces tryptophan 177 with cysteine.
Molecular consequence: missense variant.
Genome position (GRCh38, 1-based): chr18:62,154,563, C>G on the plus strand (G>C on the coding strand, the complement: PIGN is on the minus strand). VCF-style: chr18-62154563-C-G. GRCh37 (hg19) VCF-style: chr18-59821796-C-G.
Other names: c.531G>C, p.Trp177Cys (NM_012327.6); short protein forms W177C.
Identifiers: ClinVar variation 1427631 (VCV001427631.8), dbSNP rs2147453642, ClinGen allele CA402602744.
Genomic context (GRCh38, chr18:62,154,563, plus strand): 5'-AAAAATATGCTTTTTGTATATTAACCACTCAATAGCACAAACCTTAACATTATCAAAAAC[C>G]CACGTATCCAGTTTTGTTGCATCTTGAGCACCAAAATCCTCTCTTTTAGCATCATAACTA-3'
Protein context (NP_789744.1, residues 167-187): GAQDATKLDT[Trp177Cys]VFDNVKDFFH